The following is an entry in ClinVar:

ClinVar aggregate classification (germline): Uncertain significance (1 of 4 stars; one submission).

Allele frequency attached by ClinVar (database versions not stated): gnomAD 0.00001; gnomAD exomes 0.00001; TOPMed 0.00001.
gnomAD v4.1: 16 of 1,551,818 alleles (0.001%); highest among the groups gnomAD compares: Non-Finnish European, 0.0014%; no homozygotes.

Submission:

Labcorp Genetics (formerly Invitae), Labcorp
Classification: Uncertain significance. Last evaluated: 2023-02-10. Review status: criteria provided, single submitter. Criteria: Invitae Variant Classification Sherloc (09022015). Collection method: clinical testing. Allele origin: germline.
Comment: This sequence change replaces tyrosine, which is neutral and polar, with phenylalanine, which is neutral and non-polar, at codon 1047 of the ZSWIM6 protein (p.Tyr1047Phe). This variant is not present in population databases (gnomAD no frequency). This variant has not been reported in the literature in individuals affected with ZSWIM6-related conditions. ClinVar contains an entry for this variant (Variation ID: 1387581). Advanced modeling of protein sequence and biophysical properties (such as structural, functional, and spatial information, amino acid conservation, physicochemical variation, residue mobility, and thermodynamic stability) performed at Invitae indicates that this missense variant is not expected to disrupt ZSWIM6 protein function. In summary, the available evidence is currently insufficient to determine the role of this variant in disease. Therefore, it has been classified as a Variant of Uncertain Significance.

NM_020928.2(ZSWIM6):c.3140A>T (p.Tyr1047Phe)

Gene: ZSWIM6 (zinc finger SWIM-type containing 6; plus strand). Cytogenetic location: 5q12.1.
Variant type: single nucleotide variant.
Coding change: c.3140A>T on transcript NM_020928.2 (MANE Select); coding-DNA position 3140, A replaced by T.
Protein change: p.Tyr1047Phe; replaces tyrosine 1047 with phenylalanine.
Molecular consequence: missense variant.
Genome position (GRCh38, 1-based): chr5:61,543,809, A>T. VCF-style: chr5-61543809-A-T. GRCh37 (hg19) VCF-style: chr5-60839636-A-T.
Other names: short protein forms Y1047F.
Identifiers: ClinVar variation 1387581 (VCV001387581.6), dbSNP rs1361127586, ClinGen allele CA359946946.